The following is an entry in ClinVar:

NM_020381.4(PDSS2):c.565A>G (p.Ile189Val)

Gene: PDSS2 (decaprenyl diphosphate synthase subunit 2; minus strand). Cytogenetic location: 6q21.
Variant type: single nucleotide variant.
Coding change: c.565A>G on transcript NM_020381.4 (MANE Select); coding-DNA position 565, A replaced by G.
Protein change: p.Ile189Val; replaces isoleucine 189 with valine.
Molecular consequence: missense variant.
Genome position (GRCh38, 1-based): chr6:107,274,094, T>C on the plus strand (A>G on the coding strand, the complement: PDSS2 is on the minus strand). VCF-style: chr6-107274094-T-C. GRCh37 (hg19) VCF-style: chr6-107595298-T-C.
Other names: short protein forms I189V.
Identifiers: ClinVar variation 1415922 (VCV001415922.5), dbSNP rs201682968, ClinGen allele CA3946094.

ClinVar aggregate classification (germline): Uncertain significance (1 of 4 stars; one submission).

Allele frequency attached by ClinVar (database versions not stated): gnomAD exomes below 0.00001; gnomAD 0.00001; ExAC 0.00002.
gnomAD v4.1: 7 of 1,613,884 alleles (0.00043%); highest among the groups gnomAD compares: Admixed American, 0.005%; no homozygotes.

Submission:

Labcorp Genetics (formerly Invitae), Labcorp
Classification: Uncertain significance. Last evaluated: 2021-08-30. Review status: criteria provided, single submitter. Criteria: Invitae Variant Classification Sherloc (09022015). Collection method: clinical testing. Allele origin: germline.
Comment: This sequence change replaces isoleucine with valine at codon 189 of the PDSS2 protein (p.Ile189Val). The isoleucine residue is moderately conserved and there is a small physicochemical difference between isoleucine and valine. This variant is present in population databases (rs201682968, ExAC 0.01%). This variant has not been reported in the literature in individuals affected with PDSS2-related conditions. Algorithms developed to predict the effect of missense changes on protein structure and function output the following: SIFT: "Tolerated"; PolyPhen-2: "Benign"; Align-GVGD: "Class C0". The valine amino acid residue is found in multiple mammalian species, which suggests that this missense change does not adversely affect protein function. In summary, the available evidence is currently insufficient to determine the role of this variant in disease. Therefore, it has been classified as a Variant of Uncertain Significance.